The following is an entry in ClinVar:

ClinVar aggregate classification (germline): Pathogenic/Likely pathogenic. Review status: criteria provided, multiple submitters, no conflicts (2 of 4 stars). 5 submissions from 5 submitters: Pathogenic (1); Likely pathogenic (4). Last evaluated 2025-04-01.

Conditions:
ACSF3-related disorder. Also called: ACSF3-related condition.
Combined malonic and methylmalonic acidemia. Identifiers: Orphanet 289504, MedGen C3280314, MONDO:0013661, OMIM 614265.

Allele frequency attached by ClinVar (database versions not stated): TOPMed 0.00001; gnomAD 0.00001.
gnomAD v4.1: 12 of 1,613,924 alleles (0.00074%); highest among the groups gnomAD compares: African/African-American, 0.0013%; no homozygotes.

Submissions (5):

Natera, Inc.
Classification: Likely pathogenic for Combined malonic and methylmalonic aciduria. Last evaluated: 2025-04-01. Review status: criteria provided, single submitter. Criteria: Natera Variant Classification Schema (03/2026). Collection method: clinical testing. Allele origin: germline.
Comment: The c.1300C>T variant in ACSF3 is a nonsense variant predicted to introduce a stop codon at amino acid 434. This variant is expected to result in nonsense mediated decay, truncation, or a dysfunctional protein product. This variant is rare in the general population with a frequency below the threshold expected for the associated phenotype(s). Given the available evidence, this variant is classified as Likely Pathogenic.

Fulgent Genetics
Classification: Likely pathogenic for Combined malonic and methylmalonic acidemia. Last evaluated: 2024-06-17. Review status: criteria provided, single submitter. Criteria: ACMG Guidelines, 2015. Collection method: clinical testing. Allele origin: germline.

Labcorp Genetics (formerly Invitae), Labcorp
Classification: Pathogenic for Combined malonic and methylmalonic acidemia. Last evaluated: 2024-01-31. Review status: criteria provided, single submitter. Criteria: Invitae Variant Classification Sherloc (09022015). Collection method: clinical testing. Allele origin: germline.
Comment: This sequence change creates a premature translational stop signal (p.Arg434*) in the ACSF3 gene. It is expected to result in an absent or disrupted protein product. Loss-of-function variants in ACSF3 are known to be pathogenic (PMID: 21841779, 26827111). This variant is present in population databases (rs766764090, gnomAD 0.006%). This variant has not been reported in the literature in individuals affected with ACSF3-related conditions. ClinVar contains an entry for this variant (Variation ID: 639703). For these reasons, this variant has been classified as Pathogenic.

Baylor Genetics
Classification: Likely pathogenic for Combined malonic and methylmalonic acidemia. Last evaluated: 2023-06-28. Review status: criteria provided, single submitter. Criteria: ACMG Guidelines, 2015. Collection method: clinical testing. Allele origin: unknown.

Blueprint Genetics
Classification: Likely pathogenic for ACSF3-related disorders. Last evaluated: 2021-04-22. Review status: criteria provided, single submitter. Criteria: ACMG Guidelines, 2015. Collection method: clinical testing. Allele origin: germline. Affected: yes. Observed: 1 variant allele.

Literature cited by the submitters: PubMed 21841779 (cited by Labcorp Genetics (formerly Invitae), Labcorp); PubMed 26827111 (cited by Labcorp Genetics (formerly Invitae), Labcorp).

NM_001243279.3(ACSF3):c.1300C>T (p.Arg434Ter)

Gene: ACSF3 (acyl-CoA synthetase family member 3; plus strand). Cytogenetic location: 16q24.3.
Variant type: single nucleotide variant.
Coding change: c.1300C>T on transcript NM_001243279.3 (MANE Select); coding-DNA position 1300, C replaced by T.
Protein change: p.Arg434Ter; replaces arginine 434 with a stop codon.
Molecular consequence: nonsense. On other transcripts: non-coding transcript variant (3).
Genome position (GRCh38, 1-based): chr16:89,133,196, C>T. VCF-style: chr16-89133196-C-T. GRCh37 (hg19) VCF-style: chr16-89199604-C-T.
Other names: c.1300C>T, p.Arg434Ter (NM_001127214.4, NM_174917.5); c.505C>T, p.Arg169Ter (NM_001284316.2); short protein forms R169*, R434*.
Identifiers: ClinVar variation 639703 (VCV000639703.10), dbSNP rs766764090, ClinGen allele CA8238098.
Genomic context (GRCh38, chr16:89,133,196, plus strand): 5'-GTGACCCCAGGGTTTGAAGAAAAGGAGGGGGAGCTGCTGGTGAGGGGACCCTCCGTGTTT[C>T]GAGAATACTGGAATAAACCAGAAGAAACTAAGAGTGCATTCACCCTGGATGGCTGGTTTA-3'